The following is an entry in ClinVar:

ClinVar aggregate classification (germline): Uncertain significance (1 of 4 stars; one submission).

Conditions:
Birt-Hogg-Dube syndrome. Also called: Birt Hogg Dubé syndrome. Identifiers: Orphanet 122, MedGen C0346010, MONDO:0800444.

Submission:

Labcorp Genetics (formerly Invitae), Labcorp
Classification: Uncertain significance for Birt-Hogg-Dube syndrome. Last evaluated: 2023-10-16. Review status: criteria provided, single submitter. Criteria: Invitae Variant Classification Sherloc (09022015). Collection method: clinical testing. Allele origin: germline.
Comment: This sequence change replaces leucine, which is neutral and non-polar, with proline, which is neutral and non-polar, at codon 536 of the FLCN protein (p.Leu536Pro). This variant is not present in population databases (gnomAD no frequency). This variant has not been reported in the literature in individuals affected with FLCN-related conditions. Advanced modeling of protein sequence and biophysical properties (such as structural, functional, and spatial information, amino acid conservation, physicochemical variation, residue mobility, and thermodynamic stability) performed at Invitae indicates that this missense variant is expected to disrupt FLCN protein function. In summary, the available evidence is currently insufficient to determine the role of this variant in disease. Therefore, it has been classified as a Variant of Uncertain Significance.

NM_144997.7(FLCN):c.1607T>C (p.Leu536Pro)

Gene: FLCN (folliculin; minus strand). Cytogenetic location: 17p11.2.
Variant type: single nucleotide variant.
Coding change: c.1607T>C on transcript NM_144997.7 (MANE Select); coding-DNA position 1607, T replaced by C.
Protein change: p.Leu536Pro; replaces leucine 536 with proline.
Molecular consequence: missense variant.
Genome position (GRCh38, 1-based): chr17:17,213,788, A>G on the plus strand (T>C on the coding strand, the complement: FLCN is on the minus strand). VCF-style: chr17-17213788-A-G. GRCh37 (hg19) VCF-style: chr17-17117102-A-G.
Other names: c.1661T>C, p.Leu554Pro (NM_001353229.2); c.1607T>C, p.Leu536Pro (NM_001353230.2, NM_001353231.2); short protein forms L536P, L554P.
Identifiers: ClinVar variation 2839932 (VCV002839932.3), dbSNP rs2144810654, ClinGen allele CA398530389.